The following is an entry in ClinVar:

ClinVar aggregate classification (germline): Uncertain significance. Review status: criteria provided, multiple submitters, no conflicts (2 of 4 stars). 2 submissions from 2 submitters: Uncertain significance (2). Last evaluated 2026-09-10.

Allele frequency attached by ClinVar (database versions not stated): gnomAD 0.00007; ESP Exome Variant Server 0.00015.
gnomAD v4.1: 199 of 1,614,034 alleles (0.012%); highest among the groups gnomAD compares: Non-Finnish European, 0.016%; no homozygotes.

Submissions (2):

GeneDx
Classification: Uncertain significance. Last evaluated: 2026-09-10. Review status: criteria provided, single submitter. Criteria: GeneDx Variant Classification Process June 2021. Collection method: clinical testing. Allele origin: germline.
Comment: Not observed at significant frequency in large population cohorts (gnomAD); In silico analysis supports that this missense variant has a deleterious effect on protein structure/function; Has not been previously published as pathogenic or benign to our knowledge

Labcorp Genetics (formerly Invitae), Labcorp
Classification: Uncertain significance. Last evaluated: 2023-05-23. Review status: criteria provided, single submitter. Criteria: Invitae Variant Classification Sherloc (09022015). Collection method: clinical testing. Allele origin: germline.
Comment: This variant is present in population databases (rs143565087, gnomAD 0.01%). In summary, the available evidence is currently insufficient to determine the role of this variant in disease. Therefore, it has been classified as a Variant of Uncertain Significance. Advanced modeling of protein sequence and biophysical properties (such as structural, functional, and spatial information, amino acid conservation, physicochemical variation, residue mobility, and thermodynamic stability) performed at Invitae indicates that this missense variant is not expected to disrupt NDUFA10 protein function. ClinVar contains an entry for this variant (Variation ID: 1343846). This variant has not been reported in the literature in individuals affected with NDUFA10-related conditions. This sequence change replaces cysteine, which is neutral and slightly polar, with tryptophan, which is neutral and slightly polar, at codon 196 of the NDUFA10 protein (p.Cys196Trp).

NM_004544.4(NDUFA10):c.588C>G (p.Cys196Trp)

Gene: NDUFA10 (NADH:ubiquinone oxidoreductase subunit A10; minus strand). Cytogenetic location: 2q37.3.
Variant type: single nucleotide variant.
Coding change: c.588C>G on transcript NM_004544.4 (MANE Select); coding-DNA position 588, C replaced by G.
Protein change: p.Cys196Trp; replaces cysteine 196 with tryptophan.
Molecular consequence: missense variant. On other transcripts: non-coding transcript variant (4).
Genome position (GRCh38, 1-based): chr2:240,014,820, G>C on the plus strand (C>G on the coding strand, the complement: NDUFA10 is on the minus strand). VCF-style: chr2-240014820-G-C. GRCh37 (hg19) VCF-style: chr2-240954237-G-C.
Other names: c.588C>G, p.Cys196Trp (NM_001322019.2, NM_001322020.2); short protein forms C196W.
Identifiers: ClinVar variation 1343846 (VCV001343846.6), dbSNP rs143565087, ClinGen allele CA2200951.
Genomic context (GRCh38, chr2:240,014,820, plus strand): 5'-CCTCTGGACCTCTGGAACGGGCACATCGATGTAAATCACCAGGTGGGGGGGCAGGTAATC[G>C]CAGATGGTGACGCTCTTCACCTCGTTGTAGTGGTCCACACCTGGCACATAGGAGAAAGGG-3'
Protein context (NP_004535.1, residues 186-206): HYNEVKSVTI[Cys196Trp]DYLPPHLVIY